The following is an entry in ClinVar:

ClinVar aggregate classification (germline): Conflicting classifications of pathogenicity. Review status: criteria provided, conflicting classifications (1 of 4 stars). 3 submissions from 3 submitters: Uncertain significance (1); Likely benign (2). Last evaluated 2023-12-09.

Conditions:
Mitochondrial DNA depletion syndrome 3 (hepatocerebral type). Also called: Mitochondrial DNA depletion syndrome, hepatocerebral form due to DGUOK deficiency; MITOCHONDRIAL DNA DEPLETION SYNDROME 3; Deoxyguanosine Kinase Deficiency. Identifiers: Orphanet 279934, MedGen CN074093, MONDO:0009636, OMIM 251880.

Allele frequency attached by ClinVar (database versions not stated): gnomAD 0.00001; TOPMed 0.00002.
gnomAD v4.1: 19 of 1,611,972 alleles (0.0012%); highest among the groups gnomAD compares: Middle Eastern, 0.2%; no homozygotes.

Submissions (3):

Labcorp Genetics (formerly Invitae), Labcorp
Classification: Likely benign. Last evaluated: 2023-12-09. Review status: criteria provided, single submitter. Criteria: Invitae Variant Classification Sherloc (09022015). Collection method: clinical testing. Allele origin: germline.

GeneDx
Classification: Likely benign. Last evaluated: 2018-03-08. Review status: criteria provided, single submitter. Criteria: GeneDx Variant Classification (06012015). Collection method: clinical testing. Allele origin: germline. Affected: yes.
Comment: This variant is considered likely benign or benign based on one or more of the following criteria: it is a conservative change, it occurs at a poorly conserved position in the protein, it is predicted to be benign by multiple in silico algorithms, and/or has population frequency not consistent with disease.

Illumina Laboratory Services, Illumina
Classification: Uncertain significance for Mitochondrial DNA depletion syndrome 3 (hepatocerebral type). Last evaluated: 2018-01-12. Review status: criteria provided, single submitter. Criteria: ICSL Variant Classification Criteria 13 December 2019. Collection method: clinical testing. Allele origin: germline.

NM_080916.3(DGUOK):c.705G>A (p.Thr235=)

Gene: DGUOK (deoxyguanosine kinase; plus strand). Cytogenetic location: 2p13.1.
Variant type: single nucleotide variant.
Coding change: c.705G>A on transcript NM_080916.3 (MANE Select); coding-DNA position 705, G replaced by A.
Protein change: p.Thr235=; no amino-acid change (threonine 235 retained).
Molecular consequence: synonymous variant. On other transcripts: non-coding transcript variant (1), intron variant (2).
Genome position (GRCh38, 1-based): chr2:73,957,238, G>A. VCF-style: chr2-73957238-G-A. GRCh37 (hg19) VCF-style: chr2-74184365-G-A.
Other names: c.414G>A, p.Thr138= (NM_001318860.2, NM_001318861.2); c.396G>A, p.Thr132= (NM_001318862.2, NM_001318863.2); c.444-908G>A (NM_080918.3); c.426-908G>A (NM_001318859.2).
Identifiers: ClinVar variation 337050 (VCV000337050.8), dbSNP rs866403196, ClinGen allele CA10615974.